The following is an entry in ClinVar:

NM_000372.5(TYR):c.760G>A (p.Gly254Ser)

Gene: TYR (tyrosinase; plus strand). Cytogenetic location: 11q14.3.
Variant type: single nucleotide variant.
Coding change: c.760G>A on transcript NM_000372.5 (MANE Select); coding-DNA position 760, G replaced by A.
Protein change: p.Gly254Ser; replaces glycine 254 with serine.
Molecular consequence: missense variant.
Genome position (GRCh38, 1-based): chr11:89,178,713, G>A. VCF-style: chr11-89178713-G-A. GRCh37 (hg19) VCF-style: chr11-88911881-G-A.
Other names: short protein forms G254S.
Identifiers: ClinVar variation 1435448 (VCV001435448.5), dbSNP rs199500520, ClinGen allele CA6221190.
Genomic context (GRCh38, chr11:89,178,713, plus strand): 5'-CCATATTGGGACTGGCGGGATGCAGAAAAGTGTGACATTTGCACAGATGAGTACATGGGA[G>A]GTCAGCACCCCACAAATCCTAACTTACTCAGCCCAGCATCATTCTTCTCCTCTTGGCAGG-3'
Protein context (NP_000363.1, residues 244-264): CDICTDEYMG[Gly254Ser]QHPTNPNLLS

ClinVar aggregate classification (germline): Uncertain significance (1 of 4 stars; one submission).

Allele frequency attached by ClinVar (database versions not stated): gnomAD 0.00001; gnomAD exomes 0.00001 and 0.00002; ExAC 0.00002; TOPMed 0.00002.
gnomAD v4.1: 13 of 1,613,938 alleles (0.00081%); highest among the groups gnomAD compares: Admixed American, 0.0067%; no homozygotes.

Submission:

Labcorp Genetics (formerly Invitae), Labcorp
Classification: Uncertain significance. Last evaluated: 2021-09-01. Review status: criteria provided, single submitter. Criteria: Invitae Variant Classification Sherloc (09022015). Collection method: clinical testing. Allele origin: germline.
Comment: This sequence change replaces glycine with serine at codon 254 of the TYR protein (p.Gly254Ser). The glycine residue is moderately conserved and there is a small physicochemical difference between glycine and serine. This variant is present in population databases (rs199500520, ExAC 0.009%). This variant has not been reported in the literature in individuals affected with TYR-related conditions. Advanced modeling of protein sequence and biophysical properties (such as structural, functional, and spatial information, amino acid conservation, physicochemical variation, residue mobility, and thermodynamic stability) performed at Invitae indicates that this missense variant is expected to disrupt TYR protein function. In summary, the available evidence is currently insufficient to determine the role of this variant in disease. Therefore, it has been classified as a Variant of Uncertain Significance.